The following is an entry in ClinVar:

GRCh37/hg19 16p11.2(chr16:29652999-30197341)x1

Genes: ALDOA (aldolase, fructose-bisphosphate A; plus strand), ASPHD1 (aspartate beta-hydroxylase domain containing 1; plus strand), C16orf54 (chromosome 16 open reading frame 54; minus strand), C16orf92 (chromosome 16 open reading frame 92; plus strand), CDIPT (CDP-diacylglycerol--inositol 3-phosphatidyltransferase; minus strand) and 22 more. Cytogenetic location: 16p11.2.
Variant type: copy number loss.
Change: copy number 1 (one copy instead of two) of chr16:29,652,999-30,197,341 (544.3 kb, GRCh37 coordinates, 1-based), cytogenetic band 16p11.2.
Identifiers: ClinVar variation 564328 (VCV000564328.3).

ClinVar aggregate classification (germline): Pathogenic (1 of 4 stars; one submission).

Submission:

Quest Diagnostics Nichols Institute San Juan Capistrano
Classification: Pathogenic. Last evaluated: 2025-05-21. Review status: criteria provided, single submitter. Criteria: ACMG/ClinGen CNV Guidelines, 2019. Collection method: clinical testing. Allele origin: unknown.
Comment: This deletion is associated with the recurrent proximal (BP4-BP5) 16p11.2 microdeletion syndromic region(OMIM 611913; ISCA-37400) (Taylor 2021). Inheritance from an unaffected or mildly affected parent has been reported, suggesting incomplete penetrance and variable expressivity (Taylor 2021). This copy number variant is classified as pathogenic with variable phenotypic expressivity and reduced penetrance. References: Taylor et al. GeneReviews [Oct 28 2021]. PMID: 20301775